The following is an entry in ClinVar:

ClinVar aggregate classification (germline): Uncertain significance (1 of 4 stars; one submission).

Conditions:
Primary ciliary dyskinesia 23 (CILD23). Also called: CILIARY DYSKINESIA, PRIMARY, 23, WITH OR WITHOUT SITUS INVERSUS. Identifiers: Orphanet 244, MedGen C3809548, MONDO:0014193, OMIM 615451.

Allele frequency attached by ClinVar (database versions not stated): ExAC 0.00001; gnomAD exomes 0.00001; TOPMed 0.00001.
gnomAD v4.1: 9 of 1,611,906 alleles (0.00056%); highest among the groups gnomAD compares: Non-Finnish European, 0.00076%; no homozygotes.

Submission:

Labcorp Genetics (formerly Invitae), Labcorp
Classification: Uncertain significance for Primary ciliary dyskinesia 23. Last evaluated: 2024-01-18. Review status: criteria provided, single submitter. Criteria: Invitae Variant Classification Sherloc (09022015). Collection method: clinical testing. Allele origin: germline.
Comment: This sequence change replaces lysine, which is basic and polar, with glutamic acid, which is acidic and polar, at codon 86 of the ARMC4 protein (p.Lys86Glu). This variant is present in population databases (rs768445383, gnomAD 0.0009%). This variant has not been reported in the literature in individuals affected with ARMC4-related conditions. ClinVar contains an entry for this variant (Variation ID: 2167309). Algorithms developed to predict the effect of missense changes on protein structure and function output the following: SIFT: "Not Available"; PolyPhen-2: "Benign"; Align-GVGD: "Not Available". The glutamic acid amino acid residue is found in multiple mammalian species, which suggests that this missense change does not adversely affect protein function. In summary, the available evidence is currently insufficient to determine the role of this variant in disease. Therefore, it has been classified as a Variant of Uncertain Significance.

NM_018076.5(ODAD2):c.256A>G (p.Lys86Glu)

Gene: ODAD2 (outer dynein arm docking complex subunit 2; minus strand). Cytogenetic location: 10p12.1.
Variant type: single nucleotide variant.
Coding change: c.256A>G on transcript NM_018076.5 (MANE Select); coding-DNA position 256, A replaced by G.
Protein change: p.Lys86Glu; replaces lysine 86 with glutamic acid.
Molecular consequence: missense variant.
Genome position (GRCh38, 1-based): chr10:27,987,512, T>C on the plus strand (A>G on the coding strand, the complement: ODAD2 is on the minus strand). VCF-style: chr10-27987512-T-C. GRCh37 (hg19) VCF-style: chr10-28276441-T-C.
Other names: c.256A>G, p.Lys86Glu (NM_001290020.2); short protein forms K86E.
Identifiers: ClinVar variation 2167309 (VCV002167309.4), dbSNP rs768445383, ClinGen allele CA5453863.